The following is an entry in ClinVar:

NM_201384.3(PLEC):c.5735T>C (p.Leu1912Pro)

Gene: PLEC (plectin; minus strand). Cytogenetic location: 8q24.3.
Variant type: single nucleotide variant.
Coding change: c.5735T>C on transcript NM_201384.3 (MANE Select); coding-DNA position 5735, T replaced by C.
Protein change: p.Leu1912Pro; replaces leucine 1912 with proline.
Molecular consequence: missense variant.
Genome position (GRCh38, 1-based): chr8:143,924,194, A>G on the plus strand (T>C on the coding strand, the complement: PLEC is on the minus strand). VCF-style: chr8-143924194-A-G. GRCh37 (hg19) VCF-style: chr8-144998362-A-G.
Other names: c.5816T>C (NM_000445.3); c.5816T>C, p.Leu1939Pro (NM_000445.5); c.5693T>C, p.Leu1898Pro (NM_201378.4); c.5669T>C, p.Leu1890Pro (NM_201379.3); c.6146T>C, p.Leu2049Pro (NM_201380.4); c.5639T>C, p.Leu1880Pro (NM_201381.3); c.5735T>C, p.Leu1912Pro (NM_201382.4); c.5747T>C, p.Leu1916Pro (NM_201383.3); short protein forms L1912P, L1916P, L1939P, L1880P, L1890P, L1898P, L2049P.
Identifiers: ClinVar variation 1385263 (VCV001385263.9), dbSNP rs1226737255, ClinGen allele CA372542004.

ClinVar aggregate classification (germline): Uncertain significance. Review status: criteria provided, multiple submitters, no conflicts (2 of 4 stars). 2 submissions from 2 submitters: Uncertain significance (2). Last evaluated 2025-08-20.

Conditions:
Epidermolysis bullosa simplex 5B, with muscular dystrophy (EBS5B). Also called: Epidermolysis bullosa simplex with muscular dystrophy; EPIDERMOLYSIS BULLOSA SIMPLEX AND LIMB-GIRDLE MUSCULAR DYSTROPHY. Identifiers: Orphanet 257, MedGen C2931072, MONDO:0009181, OMIM 226670.
Epidermolysis bullosa simplex, Ogna type (EBS5A). Also called: Pidermolysis bullosa simplex 5A, Ogna type; EPIDERMOLYSIS BULLOSA SIMPLEX 5A, OGNA TYPE. Identifiers: Orphanet 79401, MedGen C0432317, MONDO:0007555, OMIM 131950.
Autosomal recessive limb-girdle muscular dystrophy type 2Q (LGMDR17). Also called: MUSCULAR DYSTROPHY, LIMB-GIRDLE, AUTOSOMAL RECESSIVE 17. Identifiers: Orphanet 254361, MedGen C3150989, MONDO:0013390, OMIM 613723.
Epidermolysis bullosa simplex with nail dystrophy (EBS5D). Identifiers: MedGen C4225309, MONDO:0014661, OMIM 616487.
Epidermolysis bullosa simplex 5C, with pyloric atresia (EBS5C). Also called: Epidermolysis bullosa simplex with pyloric atresia; PLEC-Related Epidermolysis Bullosa with Pyloric Atresia; PLEC1-Related Epidermolysis Bullosa with Pyloric Atresia. Identifiers: Orphanet 158684, MedGen C2677349, MONDO:0012807, OMIM 612138.
Inborn genetic diseases. Identifiers: MedGen C0950123, MeSH D030342.

Allele frequency attached by ClinVar (database versions not stated): gnomAD 0.00001; gnomAD exomes 0.00001; TOPMed 0.00002.
gnomAD v4.1: 9 of 1,598,738 alleles (0.00056%); highest among the groups gnomAD compares: Admixed American, 0.0017%; no homozygotes.

Submissions (2):

Ambry Genetics
Classification: Uncertain significance for Inborn genetic diseases. Last evaluated: 2025-08-20. Review status: criteria provided, single submitter. Criteria: Ambry Variant Classification Scheme 2023. Collection method: clinical testing. Allele origin: germline.

Labcorp Genetics (formerly Invitae), Labcorp
Classification: Uncertain significance for Autosomal recessive limb-girdle muscular dystrophy type 2Q; Epidermolysis bullosa simplex, Ogna type; Epidermolysis bullosa simplex with nail dystrophy; Epidermolysis bullosa simplex 5C, with pyloric atresia; Epidermolysis bullosa simplex 5B, with muscular dystrophy. Last evaluated: 2021-05-09. Review status: criteria provided, single submitter. Criteria: Invitae Variant Classification Sherloc (09022015). Collection method: clinical testing. Allele origin: germline.
Comment: This variant is not present in population databases (ExAC no frequency). This sequence change replaces leucine with proline at codon 1939 of the PLEC protein (p.Leu1939Pro). The leucine residue is moderately conserved and there is a moderate physicochemical difference between leucine and proline. This variant has not been reported in the literature in individuals with PLEC-related conditions. In summary, the available evidence is currently insufficient to determine the role of this variant in disease. Therefore, it has been classified as a Variant of Uncertain Significance. Algorithms developed to predict the effect of missense changes on protein structure and function are either unavailable or do not agree on the potential impact of this missense change (SIFT: "Deleterious"; PolyPhen-2: "Not Available"; Align-GVGD: "Class C25").